The following is an entry in ClinVar:

ClinVar aggregate classification (germline): Uncertain significance (1 of 4 stars; one submission).

Conditions:
Baller-Gerold syndrome (BGS). Also called: CRANIOSYNOSTOSIS WITH RADIAL DEFECTS. Identifiers: Orphanet 1225, MedGen C0265308, MONDO:0009039, OMIM 218600.

Submission:

Labcorp Genetics (formerly Invitae), Labcorp
Classification: Uncertain significance for Baller-Gerold syndrome. Last evaluated: 2018-09-04. Review status: criteria provided, single submitter. Criteria: Invitae Variant Classification Sherloc (09022015). Collection method: clinical testing. Allele origin: germline.
Comment: In summary, the available evidence is currently insufficient to determine the role of this variant in disease. Therefore, it has been classified as a Variant of Uncertain Significance. Algorithms developed to predict the effect of missense changes on protein structure and function (SIFT, PolyPhen-2, Align-GVGD) all suggest that this variant is likely to be tolerated, but these predictions have not been confirmed by published functional studies and their clinical significance is uncertain. This variant has not been reported in the literature in individuals with RECQL4-related disease. This variant is not present in population databases (ExAC no frequency). This sequence change replaces alanine with aspartic acid at codon 954 of the RECQL4 protein (p.Ala954Asp). The alanine residue is moderately conserved and there is a moderate physicochemical difference between alanine and aspartic acid.

NM_004260.4(RECQL4):c.2861C>A (p.Ala954Asp)

Gene: RECQL4 (RecQ like helicase 4; minus strand). Cytogenetic location: 8q24.3.
Variant type: single nucleotide variant.
Coding change: c.2861C>A on transcript NM_004260.4 (MANE Select); coding-DNA position 2861, C replaced by A.
Protein change: p.Ala954Asp; replaces alanine 954 with aspartic acid.
Molecular consequence: missense variant.
Genome position (GRCh38, 1-based): chr8:144,512,666, G>T on the plus strand (C>A on the coding strand, the complement: RECQL4 is on the minus strand). VCF-style: chr8-144512666-G-T. GRCh37 (hg19) VCF-style: chr8-145738049-G-T.
Other names: short protein forms A954D.
Identifiers: ClinVar variation 660090 (VCV000660090.4), dbSNP rs746594220, ClinGen allele CA372673960.